The following is an entry in ClinVar:

ClinVar aggregate classification (germline): Likely benign (1 of 4 stars; one submission).

Allele frequency attached by ClinVar (database versions not stated): gnomAD exomes 0.00077; gnomAD 0.00830 and 0.00870; TOPMed 0.00911; 1000 Genomes Project 0.00938; 1000 Genomes Project 30x 0.00968.
gnomAD v4.1: 2,096 of 1,190,644 alleles (0.18%); highest among the groups gnomAD compares: African/African-American, 2.8%; 31 homozygotes.

Submission:

GeneDx
Classification: Likely benign. Last evaluated: 2018-06-16. Review status: criteria provided, single submitter. Criteria: GeneDx Variant Classification (06012015). Collection method: clinical testing. Allele origin: germline. Affected: yes.
Comment: This variant is considered likely benign or benign based on one or more of the following criteria: it is a conservative change, it occurs at a poorly conserved position in the protein, it is predicted to be benign by multiple in silico algorithms, and/or has population frequency not consistent with disease.

NM_001018005.2(TPM1):c.493-110T>C

Gene: TPM1 (tropomyosin 1; plus strand). Cytogenetic location: 15q22.2.
Variant type: single nucleotide variant.
Coding change: c.493-110T>C on transcript NM_001018005.2 (MANE Select); 110 bases into the intron before coding-DNA position 493, T replaced by C.
Molecular consequence: intron variant.
Genome position (GRCh38, 1-based): chr15:63,060,759, T>C. VCF-style: chr15-63060759-T-C. GRCh37 (hg19) VCF-style: chr15-63352958-T-C.
Other names: c.619-110T>C (NM_001365778.1); c.493-110T>C (NM_001018020.2, NM_001018007.2, NM_001018006.2 and 6 more transcripts); c.385-110T>C (NM_001330351.2, NM_001330344.2, NM_001018008.2 and 5 more transcripts).
Identifiers: ClinVar variation 675880 (VCV000675880.1), dbSNP rs4514624, ClinGen allele CA272033112.
Genomic context (GRCh38, chr15:63,060,759, plus strand): 5'-CTGGCACTCCTAATAGAGAGTTGCTTCTCTCTGGTCTACCAGAAAGAGGATCATATTGTT[T>C]GTAGACAAAACCCTTAGGGCCTGATGGGATCTGATCTCTACCCCCATGCCCTTCTGTTAC-3'